The following is an entry in ClinVar:

NM_000089.4(COL1A2):c.1604G>T (p.Gly535Val)

Gene: COL1A2 (collagen type I alpha 2 chain; plus strand). Cytogenetic location: 7q21.3.
Variant type: single nucleotide variant.
Coding change: c.1604G>T on transcript NM_000089.4 (MANE Select); coding-DNA position 1604, G replaced by T.
Protein change: p.Gly535Val; replaces glycine 535 with valine.
Molecular consequence: missense variant.
Genome position (GRCh38, 1-based): chr7:94,413,736, G>T. VCF-style: chr7-94413736-G-T. GRCh37 (hg19) VCF-style: chr7-94043048-G-T.
Other names: short protein forms G535V.
Identifiers: ClinVar variation 3768165 (VCV003768165.2).

ClinVar aggregate classification (germline): Likely pathogenic (1 of 4 stars; one submission).

Conditions:
Osteoporosis. Identifiers: MedGen C0029456, MONDO:0005298, OMIM 166710, HP:0000939.

Submission:

Women's Health and Genetics/Laboratory Corporation of America, LabCorp
Classification: Likely pathogenic for Osteoporosis. Last evaluated: 2025-10-17. Review status: criteria provided, single submitter. Criteria: LabCorp Variant Classification Summary - May 2015. Collection method: clinical testing. Allele origin: germline.
Comment: Variant summary: COL1A2 c.1604G>T (p.Gly535Val) results in a non-conservative amino acid change located in the Collagen triple helix repeat (20 copies) (IPR008160) of the encoded protein sequence. Glycine residues within the Gly-Xaa-Yaa repeats of the triple helix domain are required for the structure and stability of fibrillar collagens (PMID: 7695699, 8218237, 19344236). In COL1A2, variants affecting these glycine residues are significantly enriched in individuals with disease (PMID: 9016532, 17078022) compared to the general population (ExAC). Algorithms developed to predict the effect of missense changes on protein structure and function all suggest that this variant is likely to be disruptive. The variant was absent in 251480 control chromosomes. To our knowledge, no occurrence of c.1604G>T in individuals affected with COL1A2-related conditions and no experimental evidence demonstrating its impact on protein function have been reported. ClinVar contains an entry for this variant (Variation ID: 3768165). Based on the evidence outlined above, the variant was classified as likely pathogenic.